The following is an entry in ClinVar:

ClinVar aggregate classification (germline): Conflicting classifications of pathogenicity. Review status: criteria provided, conflicting classifications (1 of 4 stars). 2 submissions from 2 submitters: Likely pathogenic (1); Uncertain significance (1). Last evaluated 2023-01-28.

Allele frequency attached by ClinVar (database versions not stated): ExAC 0.00001; gnomAD exomes 0.00001 and 0.00002.
gnomAD v4.1: 15 of 1,613,544 alleles (0.00093%); highest among the groups gnomAD compares: South Asian, 0.0044%; no homozygotes.

Submissions (2):

Labcorp Genetics (formerly Invitae), Labcorp
Classification: Likely pathogenic. Last evaluated: 2023-01-28. Review status: criteria provided, single submitter. Criteria: Invitae Variant Classification Sherloc (09022015). Collection method: clinical testing. Allele origin: germline.
Comment: Algorithms developed to predict the effect of sequence changes on RNA splicing suggest that this variant may disrupt the consensus splice site. ClinVar contains an entry for this variant (Variation ID: 1303157). Disruption of this splice site has been observed in individual(s) with pontocerebellar hypoplasia (PMID: 21609947). This variant is present in population databases (rs762922379, gnomAD 0.006%). This sequence change affects an acceptor splice site in intron 4 of the TSEN54 gene. It is expected to disrupt RNA splicing. Variants that disrupt the donor or acceptor splice site typically lead to a loss of protein function (PMID: 16199547), and loss-of-function variants in TSEN54 are known to be pathogenic (PMID: 18711368, 20952379). In summary, the currently available evidence indicates that the variant is pathogenic, but additional data are needed to prove that conclusively. Therefore, this variant has been classified as Likely Pathogenic.

GeneDx
Classification: Uncertain significance. Last evaluated: 2019-07-11. Review status: criteria provided, single submitter. Criteria: GeneDx Variant Classification Process June 2021. Collection method: clinical testing. Allele origin: germline. Affected: yes.
Comment: Not observed at a significant frequency in large population cohorts (Lek et al., 2016); Canonical splice site variant predicted to result in an in-frame deletion of exon 5; This variant is associated with the following publications: (PMID: 21609947)

Literature cited by the submitters: PubMed 21609947 (cited by Labcorp Genetics (formerly Invitae), Labcorp); PubMed 16199547 (cited by Labcorp Genetics (formerly Invitae), Labcorp); PubMed 18711368 (cited by Labcorp Genetics (formerly Invitae), Labcorp); PubMed 20952379 (cited by Labcorp Genetics (formerly Invitae), Labcorp).

NM_207346.3(TSEN54):c.370-2A>G

Gene: TSEN54 (tRNA splicing endonuclease subunit 54; plus strand). Cytogenetic location: 17q25.1.
Variant type: single nucleotide variant.
Coding change: c.370-2A>G on transcript NM_207346.3 (MANE Select); the canonical splice acceptor site of the intron before coding-DNA position 370, A replaced by G.
Molecular consequence: splice acceptor variant.
Genome position (GRCh38, 1-based): chr17:75,517,555, A>G. VCF-style: chr17-75517555-A-G. GRCh37 (hg19) VCF-style: chr17-73513636-A-G.
Identifiers: ClinVar variation 1303157 (VCV001303157.5), dbSNP rs762922379, ClinGen allele CA8764086.
Genomic context (GRCh38, chr17:75,517,555, plus strand): 5'-CCCCATTCCTCTGTGGCACTGTAGTGAGGGCTCATAAGCTGAGCTGTTGGCCCCACTTCC[A>G]GGGCTCCATCCACCTCTTCCACCAAGACCTGCCACTGTCTATCCAGGAAGCTTACCAGCT-3'